The following is an entry in ClinVar:

NM_006031.6(PCNT):c.2232A>G (p.Glu744=)

Gene: PCNT (pericentrin; plus strand). Cytogenetic location: 21q22.3.
Variant type: single nucleotide variant.
Coding change: c.2232A>G on transcript NM_006031.6 (MANE Select); coding-DNA position 2232, A replaced by G.
Protein change: p.Glu744=; no amino-acid change (glutamic acid 744 retained).
Molecular consequence: synonymous variant.
Genome position (GRCh38, 1-based): chr21:46,363,557, A>G. VCF-style: chr21-46363557-A-G. GRCh37 (hg19) VCF-style: chr21-47783472-A-G.
Other names: c.1878A>G, p.Glu626= (NM_001315529.2).
Identifiers: ClinVar variation 4994290 (VCV004994290.1).

ClinVar aggregate classification (germline): Likely benign (1 of 4 stars; one submission).

Conditions:
PCNT-related disorder. Also called: PCNT-related condition.

gnomAD v4.1: 1 of 1,613,950 alleles (0.000062%); highest among the groups gnomAD compares: African/African-American, 0.0013%; no homozygotes.

Submission:

PreventionGenetics, part of Exact Sciences
Classification: Likely benign for PCNT-related condition. Last evaluated: 2026-06-30. Review status: criteria provided, single submitter. Criteria: ACMG Guidelines, 2015. Collection method: clinical testing. Allele origin: germline.
Comment: This variant is classified as likely benign based on ACMG/AMP sequence variant interpretation guidelines (Richards et al. 2015 PMID: 25741868, with internal and published modifications).